The following is an entry in ClinVar:

ClinVar aggregate classification (germline): Uncertain significance (1 of 4 stars; one submission).

Conditions:
Hereditary cancer-predisposing syndrome. Also called: Hereditary Cancer Syndrome; Hereditary neoplastic syndrome; Neoplastic Syndromes, Hereditary; Tumor predisposition. Identifiers: Orphanet 140162, MedGen C0027672, MeSH D009386, MONDO:0015356.

Submission:

Ambry Genetics
Classification: Uncertain significance for Hereditary cancer-predisposing syndrome. Last evaluated: 2025-06-24. Review status: criteria provided, single submitter. Criteria: Ambry Variant Classification Scheme 2023. Collection method: clinical testing. Allele origin: germline.
Comment: The p.T892I variant (also known as c.2675C>T), located in coding exon 22 of the EGFR gene, results from a C to T substitution at nucleotide position 2675. The threonine at codon 892 is replaced by isoleucine, an amino acid with similar properties. This amino acid position is highly conserved in available vertebrate species. In addition, this alteration is predicted to be deleterious by in silico analysis. Based on the available evidence, the clinical significance of this variant remains unclear.

NM_005228.5(EGFR):c.2675C>T (p.Thr892Ile)

Gene: EGFR (epidermal growth factor receptor; plus strand). Cytogenetic location: 7p11.2.
Variant type: single nucleotide variant.
Coding change: c.2675C>T on transcript NM_005228.5 (MANE Select); coding-DNA position 2675, C replaced by T.
Protein change: p.Thr892Ile; replaces threonine 892 with isoleucine.
Molecular consequence: missense variant.
Genome position (GRCh38, 1-based): chr7:55,192,815, C>T. VCF-style: chr7-55192815-C-T. GRCh37 (hg19) VCF-style: chr7-55260508-C-T.
Other names: c.2540C>T, p.Thr847Ile (NM_001346897.2, NM_001346899.2); c.2675C>T, p.Thr892Ile (NM_001346898.2); c.2516C>T, p.Thr839Ile (NM_001346900.2); c.1874C>T, p.Thr625Ile (NM_001346941.2); short protein forms T847I, T892I, T625I, T839I.
Identifiers: ClinVar variation 4247272 (VCV004247272.1).